The following is an entry in ClinVar:

NM_020843.4(SCAPER):c.1154A>T (p.Gln385Leu)

Gene: SCAPER (S-phase cyclin A associated protein in the ER; minus strand). Cytogenetic location: 15q24.3.
Variant type: single nucleotide variant.
Coding change: c.1154A>T on transcript NM_020843.4 (MANE Select); coding-DNA position 1154, A replaced by T.
Protein change: p.Gln385Leu; replaces glutamine 385 with leucine.
Molecular consequence: missense variant. On other transcripts: non-coding transcript variant (1).
Genome position (GRCh38, 1-based): chr15:76,771,836, T>A on the plus strand (A>T on the coding strand, the complement: SCAPER is on the minus strand). VCF-style: chr15-76771836-T-A. GRCh37 (hg19) VCF-style: chr15-77064177-T-A.
Other names: c.416A>T, p.Gln139Leu (NM_001145923.2); c.1154A>T, p.Gln385Leu (NM_001353009.2); c.752A>T, p.Gln251Leu (NM_001353010.2, NM_001353011.2, NM_001353012.2); short protein forms Q251L, Q139L, Q385L.
Identifiers: ClinVar variation 4996106 (VCV004996106.1).

ClinVar aggregate classification (germline): Uncertain significance (1 of 4 stars; one submission).

Conditions:
SCAPER-related disorder. Also called: SCAPER-related condition.

gnomAD v4.1: 1 of 1,613,166 alleles (0.000062%); highest among the groups gnomAD compares: African/African-American, 0.0013%; no homozygotes.

Submission:

PreventionGenetics, part of Exact Sciences
Classification: Uncertain significance for SCAPER-related condition. Last evaluated: 2025-11-12. Review status: criteria provided, single submitter. Criteria: ACMG Guidelines, 2015. Collection method: clinical testing. Allele origin: germline.
Comment: The SCAPER c.1154A>T variant is predicted to result in the amino acid substitution p.Gln385Leu. To our knowledge, this variant has not been reported in the literature or in a large population database (gnomAD), indicating this variant is rare. At this time, the clinical significance of this variant is uncertain due to the absence of conclusive functional and genetic evidence.